The following is an entry in ClinVar:

ClinVar aggregate classification (germline): Likely benign (1 of 4 stars; one submission).

Allele frequency attached by ClinVar (database versions not stated): gnomAD 0.00017; TOPMed 0.00029; 1000 Genomes Project 30x 0.00078; 1000 Genomes Project 0.00080.

Submission:

CeGaT Center for Human Genetics Tuebingen
Classification: Likely benign. Last evaluated: 2023-08-01. Review status: criteria provided, single submitter. Criteria: CeGaT Center For Human Genetics Tuebingen Variant Classification Criteria Version 2. Collection method: clinical testing. Allele origin: germline. Affected: yes. Observed: 2 variant alleles.
Comment: PRKN: BP4, BP7

NM_004562.3(PRKN):c.7+32919T>C

Gene: PRKN (parkin RBR E3 ubiquitin protein ligase; minus strand). Cytogenetic location: 6q26.
Variant type: single nucleotide variant.
Coding change: c.7+32919T>C on transcript NM_004562.3 (MANE Select); 32919 bases into the intron after coding-DNA position 7, T replaced by C.
Molecular consequence: intron variant.
Genome position (GRCh38, 1-based): chr6:162,694,743, A>G on the plus strand (T>C on the coding strand, the complement: PRKN is on the minus strand). VCF-style: chr6-162694743-A-G. GRCh37 (hg19) VCF-style: chr6-163115775-A-G.
Other names: c.7+32919T>C (NM_013988.3, NM_013987.3).
Identifiers: ClinVar variation 2579012 (VCV002579012.25), dbSNP rs139446421, ClinGen allele CA151403745.